The following is an entry in ClinVar:

ClinVar aggregate classification (germline): Uncertain significance (1 of 4 stars; one submission).

Conditions:
Cardiovascular phenotype. Identifiers: MedGen CN230736.

gnomAD v4.1: 2 of 1,549,808 alleles (0.00013%); highest among the groups gnomAD compares: Non-Finnish European, 0.00017%; no homozygotes.

Submission:

Ambry Genetics
Classification: Uncertain significance for Cardiovascular phenotype. Last evaluated: 2024-08-31. Review status: criteria provided, single submitter. Criteria: Ambry Variant Classification Scheme 2023. Collection method: clinical testing. Allele origin: germline.
Comment: The p.S2282I variant (also known as c.6845G>T), located in coding exon 2 of the ZNF469 gene, results from a G to T substitution at nucleotide position 6845. The serine at codon 2282 is replaced by isoleucine, an amino acid with dissimilar properties. This amino acid position is conserved. In addition, this alteration is predicted to be tolerated by in silico analysis. Based on the available evidence, the clinical significance of this variant remains unclear.

NM_001367624.2(ZNF469):c.6929G>T (p.Ser2310Ile)

Gene: ZNF469 (zinc finger protein 469; plus strand). Cytogenetic location: 16q24.2.
Variant type: single nucleotide variant.
Coding change: c.6929G>T on transcript NM_001367624.2 (MANE Select); coding-DNA position 6929, G replaced by T.
Protein change: p.Ser2310Ile; replaces serine 2310 with isoleucine.
Molecular consequence: missense variant.
Genome position (GRCh38, 1-based): chr16:88,434,399, G>T. VCF-style: chr16-88434399-G-T. GRCh37 (hg19) VCF-style: chr16-88500807-G-T.
Other names: NM_001127464.1:c.6845G>T; short protein forms S2310I.
Identifiers: ClinVar variation 3476198 (VCV003476198.1).
Genomic context (GRCh38, chr16:88,434,399, plus strand): 5'-GCACTCCCACCGGAGATGAGGCACAGGCAGGCAGGGGACTCCCAGGGCCAGACCCCCAGA[G>T]CAGGGGAGCCCCGCCCCACACCAACCCTGACAGGATGCCCAGGGGCCACTCCTCGTATTC-3'
Protein context (NP_001354553.1, residues 2300-2320): GRGLPGPDPQ[Ser2310Ile]RGAPPHTNPD